The following is an entry in ClinVar:

NM_015450.3(POT1):c.1877A>G (p.Asp626Gly)

Gene: POT1 (protection of telomeres 1; minus strand). Cytogenetic location: 7q31.33.
Variant type: single nucleotide variant.
Coding change: c.1877A>G on transcript NM_015450.3 (MANE Select); coding-DNA position 1877, A replaced by G.
Protein change: p.Asp626Gly; replaces aspartic acid 626 with glycine.
Molecular consequence: missense variant. On other transcripts: non-coding transcript variant (3).
Genome position (GRCh38, 1-based): chr7:124,823,990, T>C on the plus strand (A>G on the coding strand, the complement: POT1 is on the minus strand). VCF-style: chr7-124823990-T-C. GRCh37 (hg19) VCF-style: chr7-124464044-T-C.
Other names: c.1877A>G (NM_015450.2); c.1484A>G, p.Asp495Gly (NM_001042594.2); short protein forms D495G, D626G.
Identifiers: ClinVar variation 1006601 (VCV001006601.8), dbSNP rs545521975, ClinGen allele CA369061103.

ClinVar aggregate classification (germline): Uncertain significance. Review status: criteria provided, multiple submitters, no conflicts (2 of 4 stars). 2 submissions from 2 submitters: Uncertain significance (2). Last evaluated 2023-12-15.

Conditions:
Hereditary cancer-predisposing syndrome. Also called: Neoplastic Syndromes, Hereditary; Hereditary Cancer Syndrome; Hereditary neoplastic syndrome; Tumor predisposition. Identifiers: Orphanet 140162, MedGen C0027672, MeSH D009386, MONDO:0015356.
Tumor predisposition syndrome 3 (TPDS3). Also called: Glioma susceptibility 9; LONG TELOMERE SYNDROME, POT1-RELATED; POT1 Tumor Predisposition; Melanoma, cutaneous malignant, susceptibility to, 10. Identifiers: Orphanet 618, MedGen C4014476, MONDO:0014368, OMIM 615848.

Allele frequency attached by ClinVar (database versions not stated): gnomAD 0.00001.
gnomAD v4.1: 1 of 1,598,772 alleles (0.000063%); highest among the groups gnomAD compares: Non-Finnish European, 0.000086%; no homozygotes.

Submissions (2):

Ambry Genetics
Classification: Uncertain significance for Hereditary cancer-predisposing syndrome. Last evaluated: 2023-12-15. Review status: criteria provided, single submitter. Criteria: Ambry Variant Classification Scheme 2023. Collection method: clinical testing. Allele origin: germline.
Comment: The p.D626G variant (also known as c.1877A>G), located in coding exon 15 of the POT1 gene, results from an A to G substitution at nucleotide position 1877. The aspartic acid at codon 626 is replaced by glycine, an amino acid with similar properties. This amino acid position is conserved. In addition, the in silico prediction for this alteration is inconclusive. Since supporting evidence is limited at this time, the clinical significance of this alteration remains unclear.

Labcorp Genetics (formerly Invitae), Labcorp
Classification: Uncertain significance for Tumor predisposition syndrome 3. Last evaluated: 2021-09-29. Review status: criteria provided, single submitter. Criteria: Invitae Variant Classification Sherloc (09022015). Collection method: clinical testing. Allele origin: germline.
Comment: Algorithms developed to predict the effect of missense changes on protein structure and function are either unavailable or do not agree on the potential impact of this missense change (SIFT: "Deleterious"; PolyPhen-2: "Benign"; Align-GVGD: "Class C0"). In summary, the available evidence is currently insufficient to determine the role of this variant in disease. Therefore, it has been classified as a Variant of Uncertain Significance. This variant has not been reported in the literature in individuals affected with POT1-related conditions. This variant is not present in population databases (ExAC no frequency). This sequence change replaces aspartic acid with glycine at codon 626 of the POT1 protein (p.Asp626Gly). The aspartic acid residue is highly conserved and there is a moderate physicochemical difference between aspartic acid and glycine.